The following is an entry in ClinVar:

ClinVar aggregate classification (germline): Conflicting classifications of pathogenicity. Review status: criteria provided, conflicting classifications (1 of 4 stars). 3 submissions from 3 submitters: Uncertain significance (2); Likely benign (1). Last evaluated 2025-03-28.

Conditions:
Inborn genetic diseases. Identifiers: MedGen C0950123, MeSH D030342.
Cutis laxa, X-linked (OHS). Also called: EDS IX; Occipital horn syndrome. Identifiers: Orphanet 198, MedGen C0268353, MONDO:0010572, OMIM 304150.
Menkes kinky-hair syndrome (MNK). Also called: Classic Menkes Disease; Copper transport disease; Menkes Disease. Identifiers: Orphanet 565, MedGen C0022716, MONDO:0010651, OMIM 309400.
X-linked distal spinal muscular atrophy type 3. Also called: NEURONOPATHY, DISTAL HEREDITARY MOTOR, X-LINKED; NEUROPATHY, DISTAL HEREDITARY MOTOR, X-LINKED; ATP7A-Related Distal Motor Neuropathy; SPINAL MUSCULAR ATROPHY, DISTAL, X-LINKED RECESSIVE. Identifiers: Orphanet 139557, MedGen C1845359, MONDO:0010338, OMIM 300489.

Allele frequency attached by ClinVar (database versions not stated): gnomAD exomes 0.00001; TOPMed 0.00001; gnomAD 0.00002.
gnomAD v4.1: 14 of 1,209,660 alleles (0.0012%); highest among the groups gnomAD compares: Non-Finnish European, 0.0016%; no homozygotes.

Submissions (3):

Labcorp Genetics (formerly Invitae), Labcorp
Classification: Likely benign for X-linked distal spinal muscular atrophy type 3; Cutis laxa, X-linked; Menkes kinky-hair syndrome. Last evaluated: 2025-03-28. Review status: criteria provided, single submitter. Criteria: Invitae Variant Classification Sherloc (09022015). Collection method: clinical testing. Allele origin: germline.

GeneDx
Classification: Uncertain significance. Last evaluated: 2023-01-25. Review status: criteria provided, single submitter. Criteria: GeneDx Variant Classification Process June 2021. Collection method: clinical testing. Allele origin: germline. Affected: yes.
Comment: Has not been previously published as pathogenic or benign to our knowledge; Not observed at significant frequency in large population cohorts (gnomAD); In silico analysis supports that this missense variant does not alter protein structure/function

Ambry Genetics
Classification: Uncertain significance for Inborn genetic diseases. Last evaluated: 2020-02-26. Review status: criteria provided, single submitter. Criteria: Ambry Variant Classification Scheme 2023. Collection method: clinical testing. Allele origin: germline.
Comment: The p.V751M variant (also known as c.2251G>A), located in coding exon 9 of the ATP7A gene, results from a G to A substitution at nucleotide position 2251. The valine at codon 751 is replaced by methionine, an amino acid with highly similar properties. This amino acid position is highly conserved in available vertebrate species. In addition, this alteration is predicted to be deleterious by in silico analysis. Since supporting evidence is limited at this time, the clinical significance of this alteration remains unclear.

NM_000052.7(ATP7A):c.2251G>A (p.Val751Met)

Gene: ATP7A (ATPase copper transporting alpha; plus strand). Cytogenetic location: Xq21.1.
Variant type: single nucleotide variant.
Coding change: c.2251G>A on transcript NM_000052.7 (MANE Select); coding-DNA position 2251, G replaced by A.
Protein change: p.Val751Met; replaces valine 751 with methionine.
Molecular consequence: missense variant. On other transcripts: intron variant (1).
Genome position (GRCh38, 1-based): chrX:78,012,957, G>A. VCF-style: chrX-78012957-G-A. GRCh37 (hg19) VCF-style: chrX-77268454-G-A.
Other names: c.2172+1283G>A (NM_001282224.2); short protein forms V751M.
Identifiers: ClinVar variation 1788442 (VCV001788442.8), dbSNP rs1384495572, ClinGen allele CA413598879.